The following is an entry in ClinVar:

ClinVar aggregate classification (germline): Conflicting classifications of pathogenicity. Review status: criteria provided, conflicting classifications (1 of 4 stars). 3 submissions from 3 submitters: Uncertain significance (2); Likely benign (1). Last evaluated 2026-01-13.

Conditions:
Inborn genetic diseases. Identifiers: MedGen C0950123, MeSH D030342.

Allele frequency attached by ClinVar (database versions not stated): gnomAD exomes 0.00001 and 0.00004; ExAC 0.00006; gnomAD 0.00011 and 0.00012; TOPMed 0.00022; ESP Exome Variant Server 0.00023.
gnomAD v4.1: 33 of 1,613,982 alleles (0.002%); highest among the groups gnomAD compares: African/African-American, 0.039%; no homozygotes.

Submissions (3):

Labcorp Genetics (formerly Invitae), Labcorp
Classification: Uncertain significance. Last evaluated: 2026-01-13. Review status: criteria provided, single submitter. Criteria: Invitae Variant Classification Sherloc (09022015). Collection method: clinical testing. Allele origin: germline.
Comment: This sequence change replaces threonine, which is neutral and polar, with isoleucine, which is neutral and non-polar, at codon 2656 of the VCAN protein (p.Thr2656Ile). This variant is present in population databases (rs150166604, gnomAD 0.05%). This missense change has been observed in individual(s) with retinitis pigmentosa (internal data). ClinVar contains an entry for this variant (Variation ID: 1001680). An algorithm developed to predict the effect of missense changes on protein structure and function outputs the following: PolyPhen-2: "Benign". The isoleucine amino acid residue is found in multiple mammalian species, which suggests that this missense change does not adversely affect protein function. In summary, the available evidence is currently insufficient to determine the role of this variant in disease. Therefore, it has been classified as a Variant of Uncertain Significance.

Ambry Genetics
Classification: Uncertain significance for Inborn genetic diseases. Last evaluated: 2022-08-08. Review status: criteria provided, single submitter. Criteria: Ambry Variant Classification Scheme 2023. Collection method: clinical testing. Allele origin: germline.

Blueprint Genetics
Classification: Likely benign. Last evaluated: 2022-06-08. Review status: criteria provided, single submitter. Criteria: ACMG Guidelines, 2015. Collection method: clinical testing. Allele origin: germline.

NM_004385.5(VCAN):c.7967C>T (p.Thr2656Ile)

Genes: VCAN (versican; plus strand), VCAN-AS1 (VCAN antisense RNA 1; minus strand). Cytogenetic location: 5q14.3.
Variant type: single nucleotide variant.
Coding change: c.7967C>T on transcript NM_004385.5 (MANE Select); coding-DNA position 7967, C replaced by T.
Protein change: p.Thr2656Ile; replaces threonine 2656 with isoleucine.
Molecular consequence: missense variant. On other transcripts: intron variant (2).
Genome position (GRCh38, 1-based): chr5:83,540,970, C>T. VCF-style: chr5-83540970-C-T. GRCh37 (hg19) VCF-style: chr5-82836789-C-T.
Other names: c.7967C>T (NM_004385.4); c.5006C>T, p.Thr1669Ile (NM_001164097.2); c.4004-4567C>T (NM_001164098.2); c.1043-4567C>T (NM_001126336.3); short protein forms T1669I, T2656I.
Identifiers: ClinVar variation 1001680 (VCV001001680.11), dbSNP rs150166604, ClinGen allele CA3333721.